The following is an entry in ClinVar:

NM_001029896.2(WDR45):c.1048G>A (p.Val350Met)

Gene: WDR45 (WD repeat domain 45; minus strand). Cytogenetic location: Xp11.23.
Variant type: single nucleotide variant.
Coding change: c.1048G>A on transcript NM_001029896.2 (MANE Select); coding-DNA position 1048, G replaced by A.
Protein change: p.Val350Met; replaces valine 350 with methionine.
Molecular consequence: missense variant.
Genome position (GRCh38, 1-based): chrX:49,074,838, C>T on the plus strand (G>A on the coding strand, the complement: WDR45 is on the minus strand). VCF-style: chrX-49074838-C-T. GRCh37 (hg19) VCF-style: chrX-48932497-C-T.
Other names: c.1051G>A (NM_007075.3); c.1051G>A, p.Val351Met (NM_007075.4); short protein forms V350M, V351M.
Identifiers: ClinVar variation 1056082 (VCV001056082.8), dbSNP rs782201063, ClinGen allele CA10408415.

ClinVar aggregate classification (germline): Uncertain significance. Review status: criteria provided, multiple submitters, no conflicts (2 of 4 stars). 2 submissions from 2 submitters: Uncertain significance (2). Last evaluated 2025-06-03.

Conditions:
Neurodegeneration with brain iron accumulation 5 (NBIA5). Also called: STATIC ENCEPHALOPATHY OF CHILDHOOD WITH NEURODEGENERATION IN ADULTHOOD; Beta-propeller protein-associated neurodegeneration. Identifiers: Orphanet 329284, MedGen C3550973, MONDO:0010476, OMIM 300894.

Allele frequency attached by ClinVar (database versions not stated): ExAC 0.00001; gnomAD exomes 0.00001; gnomAD 0.00002; TOPMed 0.00004.
gnomAD v4.1: 13 of 1,209,838 alleles (0.0011%); highest among the groups gnomAD compares: Middle Eastern, 0.14%; no homozygotes.

Submissions (2):

GeneDx
Classification: Uncertain significance. Last evaluated: 2025-06-03. Review status: criteria provided, single submitter. Criteria: GeneDx Variant Classification Process June 2021. Collection method: clinical testing. Allele origin: germline. Affected: yes.
Comment: In silico analysis suggests that this missense variant does not alter protein structure/function; Has not been previously published as pathogenic or benign to our knowledge

Labcorp Genetics (formerly Invitae), Labcorp
Classification: Uncertain significance for Neurodegeneration with brain iron accumulation 5. Last evaluated: 2025-01-06. Review status: criteria provided, single submitter. Criteria: Invitae Variant Classification Sherloc (09022015). Collection method: clinical testing. Allele origin: germline.
Comment: This sequence change replaces valine, which is neutral and non-polar, with methionine, which is neutral and non-polar, at codon 351 of the WDR45 protein (p.Val351Met). This variant is present in population databases (rs782201063, gnomAD 0.008%). This variant has not been reported in the literature in individuals affected with WDR45-related conditions. ClinVar contains an entry for this variant (Variation ID: 1056082). Invitae Evidence Modeling of protein sequence and biophysical properties (such as structural, functional, and spatial information, amino acid conservation, physicochemical variation, residue mobility, and thermodynamic stability) has been performed for this missense variant. However, the output from this modeling did not meet the statistical confidence thresholds required to predict the impact of this variant on WDR45 protein function. In summary, the available evidence is currently insufficient to determine the role of this variant in disease. Therefore, it has been classified as a Variant of Uncertain Significance.